The following is an entry in ClinVar:

ClinVar aggregate classification (germline): Uncertain significance (1 of 4 stars; one submission).

Conditions:
Agammaglobulinemia 7, autosomal recessive (AGM7). Also called: AGAMMAGLOBULINEMIA, AUTOSOMAL RECESSIVE, DUE TO PIK3R1 DEFECT. Identifiers: MedGen C3554689, MONDO:0014083, OMIM 615214.
SHORT syndrome. Also called: SHORT STATURE, HYPEREXTENSIBILITY, HERNIA, OCULAR DEPRESSION, RIEGER ANOMALY, AND TEETHING DELAY; LIPODYSTROPHY, PARTIAL, WITH RIEGER ANOMALY AND SHORT STATURE; PIK3R1-Related SHORT Syndrome. Identifiers: Orphanet 3163, MedGen C0878684, MONDO:0010026, OMIM 269880.
Immunodeficiency 36 with lymphoproliferation. Also called: Immunodeficiency 36; Activated PI3K Delta Syndrome Type 2 (APDS2); ACTIVATED PI3K-DELTA SYNDROME 2. Identifiers: Orphanet 397596, Orphanet 693681, MedGen C4014934, MONDO:0014453, OMIM 616005.

gnomAD v4.1: 9 of 1,613,960 alleles (0.00056%); highest among the groups gnomAD compares: African/African-American, 0.0067%; no homozygotes.

Submission:

Labcorp Genetics (formerly Invitae), Labcorp
Classification: Uncertain significance for SHORT syndrome; Immunodeficiency 36 with lymphoproliferation; Agammaglobulinemia 7, autosomal recessive. Last evaluated: 2025-12-24. Review status: criteria provided, single submitter. Criteria: Invitae Variant Classification Sherloc (09022015). Collection method: clinical testing. Allele origin: germline.
Comment: This sequence change replaces isoleucine, which is neutral and non-polar, with valine, which is neutral and non-polar, at codon 77 of the PIK3R1 protein (p.Ile77Val). This variant is present in population databases (rs749306548, gnomAD 0.01%). This variant has not been reported in the literature in individuals affected with PIK3R1-related conditions. An algorithm developed to predict the effect of missense changes on protein structure and function (PolyPhen-2) suggests that this variant is likely to be tolerated. In summary, the available evidence is currently insufficient to determine the role of this variant in disease. Therefore, it has been classified as a Variant of Uncertain Significance.

NM_181523.3(PIK3R1):c.229A>G (p.Ile77Val)

Gene: PIK3R1 (phosphoinositide-3-kinase regulatory subunit 1; plus strand). Cytogenetic location: 5q13.1.
Variant type: single nucleotide variant.
Coding change: c.229A>G on transcript NM_181523.3 (MANE Select); coding-DNA position 229, A replaced by G.
Protein change: p.Ile77Val; replaces isoleucine 77 with valine.
Molecular consequence: missense variant.
Genome position (GRCh38, 1-based): chr5:68,226,904, A>G. VCF-style: chr5-68226904-A-G. GRCh37 (hg19) VCF-style: chr5-67522732-A-G.
Other names: short protein forms I77V.
Identifiers: ClinVar variation 4794104 (VCV004794104.1).